The following is an entry in ClinVar:

NM_153026.3(PRICKLE1):c.2167G>A (p.Ala723Thr)

Gene: PRICKLE1 (prickle planar cell polarity protein 1; minus strand). Cytogenetic location: 12q12.
Variant type: single nucleotide variant.
Coding change: c.2167G>A on transcript NM_153026.3 (MANE Select); coding-DNA position 2167, G replaced by A.
Protein change: p.Ala723Thr; replaces alanine 723 with threonine.
Molecular consequence: missense variant.
Genome position (GRCh38, 1-based): chr12:42,460,138, C>T on the plus strand (G>A on the coding strand, the complement: PRICKLE1 is on the minus strand). VCF-style: chr12-42460138-C-T. GRCh37 (hg19) VCF-style: chr12-42853940-C-T.
Other names: p.A723T:GCA>ACA; c.2167G>A, p.Ala723Thr (NM_001144881.2, NM_001144882.2, NM_001144883.2); short protein forms A723T.
Identifiers: ClinVar variation 206672 (VCV000206672.2), dbSNP rs796052933, ClinGen allele CA316998.
Genomic context (GRCh38, chr12:42,460,138, plus strand): 5'-GGCCATAATCGGAAGTGGCATGGGCGTACTGTCCGTAGAGATCAGCATTCTGGATGTATG[C>T]TTGGATCTCCCGGGCACTTTTATTCTGTATAAATTTCTCATAGTTATCGGGGGTGTACAG-3'
Protein context (NP_694571.2, residues 713-733): IQNKSAREIQ[Ala723Thr]YIQNADLYGQ

ClinVar aggregate classification (germline): Uncertain significance (1 of 4 stars; one submission).

Submission:

GeneDx
Classification: Uncertain significance. Last evaluated: 2013-03-28. Review status: criteria provided, single submitter. Criteria: GeneDx Variant Classification (06012015). Collection method: clinical testing. Allele origin: germline. Affected: yes.
Comment: p.Ala723Thr (GCA>ACA): c.2167 G>A in exon 8 of the PRICKLE1 gene (NM_153026.2). The Ala723Thr missense change has not been published as a mutation, nor has it been reported as a benign polymorphism to our knowledge. It was not observed in approximately 6,500 individuals of European and African American ancestry in the NHLBI Exome Sequencing Project or among the various ethnic groups studied in the 1000 Genomes Project, indicating it is not a common benign variant in these populations. The amino acid substitution is non-conservative as a non-polar Alanine residue is replaced by a polar Threonine residue and several in-silico algorithms predict it may be damaging to the structure/function of the protein. Ala723Thr alters a conserved position in the Vangl/Dgo binding domain of the protein, although a Threonine residue is observed at this position in other species. Therefore, based on the currently available information, it is unclear whether Ala723Thr is a disease-causing mutation or a rare benign variant. The variant is found in INFANT-EPI panel(s).